The following is an entry in ClinVar:

ClinVar aggregate classification (germline): Conflicting classifications of pathogenicity. Review status: criteria provided, conflicting classifications (1 of 4 stars). 8 submissions from 7 submitters: Uncertain significance (1); Benign (1); Likely benign (3). 3 of the submissions do not count toward it. Last evaluated 2025-10-29.

Conditions:
NR2E3-related disorder. Also called: NR2E3-related disorders; NR2E3-related condition. Identifiers: MedGen CN239387.
Enhanced S-cone syndrome (ESCS). Identifiers: Orphanet 53540, MedGen C1849394, MONDO:0100288, MONDO:0009989.
Retinitis pigmentosa 37 (RP37). Identifiers: Orphanet 791, MedGen C1970163, MONDO:0012625, OMIM 611131.
Retinal dystrophy. Also called: Inherited retinal dystrophy. Identifiers: HP:0000556, Orphanet 71862, MedGen C0854723, MeSH D058499, MONDO:0019118.
Retinitis pigmentosa (RP). Identifiers: Orphanet 791, MedGen C0035334, MeSH D012174, MONDO:0019200, OMIM 268000. Inheritance: Autosomal dominant, autosomal recessive and X linked inheritance.

Allele frequency attached by ClinVar (database versions not stated): gnomAD 0.00002 and 0.00009; TOPMed 0.00005; gnomAD exomes 0.00011 and 0.00033; ExAC 0.00056; 1000 Genomes Project 0.00120; 1000 Genomes Project 30x 0.00125.

Submissions (8):

Labcorp Genetics (formerly Invitae), Labcorp
Classification: Benign. Last evaluated: 2025-10-29. Review status: criteria provided, single submitter. Criteria: Invitae Variant Classification Sherloc (09022015). Collection method: clinical testing. Allele origin: germline.

PreventionGenetics, part of Exact Sciences
Classification: Likely benign for NR2E3-related condition. Last evaluated: 2025-01-22. Review status: criteria provided, single submitter. Criteria: ACMG Guidelines, 2015. Collection method: clinical testing. Allele origin: germline.
Comment: This variant is classified as likely benign based on ACMG/AMP sequence variant interpretation guidelines (Richards et al. 2015 PMID: 25741868, with internal and published modifications).

Blueprint Genetics
Classification: Likely benign. Last evaluated: 2024-09-23. Review status: criteria provided, single submitter. Criteria: ACMG Guidelines, 2015. Collection method: clinical testing. Allele origin: germline.

Illumina Laboratory Services, Illumina
Classification: Uncertain significance for ENHANCED S-CONE SYNDROME 1. Last evaluated: 2018-01-13. Review status: criteria provided, single submitter. Criteria: ICSL Variant Classification Criteria 13 December 2019. Collection method: clinical testing. Allele origin: germline.

Illumina Laboratory Services, Illumina
Classification: Likely benign for Retinitis pigmentosa. Last evaluated: 2018-01-13. Review status: criteria provided, single submitter. Criteria: ICSL Variant Classification Criteria 13 December 2019. Collection method: clinical testing. Allele origin: germline.
Comment: This variant was observed in the ICSL laboratory as part of a predisposition screen in an ostensibly healthy population. It had not been previously curated by ICSL or reported in the Human Gene Mutation Database (HGMD: prior to June 1st, 2018), and was therefore a candidate for classification through an automated scoring system. Utilizing variant allele frequency, disease prevalence and penetrance estimates, and inheritance mode, an automated score was calculated to assess if this variant is too frequent to cause the disease. Based on the score and internal cut-off values, a variant classified as likely benign is not then subjected to further curation. The score for this variant resulted in a classification of likely benign for this disease.

Institute of Human Genetics, Univ. Regensburg, Univ. Regensburg
Classification: Uncertain significance for Retinal dystrophy. Last evaluated: 2022-01-01. Review status: no assertion criteria provided. Criteria: ACMG Guidelines, 2015. Collection method: clinical testing. Allele origin: germline. Affected: yes. Not counted in ClinVar's aggregate classification.

Natera, Inc.
Classification: Uncertain significance for Enhanced S cone syndrome. Last evaluated: 2020-01-24. Review status: no assertion criteria provided. Collection method: clinical testing. Allele origin: germline. Not counted in ClinVar's aggregate classification.

Counsyl
Classification: Uncertain significance for Retinitis pigmentosa 37; ENHANCED S-CONE SYNDROME 1. Last evaluated: 2018-03-01. Review status: no assertion criteria provided. Collection method: clinical testing. Allele origin: unknown. Not counted in ClinVar's aggregate classification.

NM_014249.4(NR2E3):c.264G>T (p.Gly88=)

Gene: NR2E3 (nuclear receptor subfamily 2 group E member 3; plus strand). Cytogenetic location: 15q23.
Variant type: single nucleotide variant.
Coding change: c.264G>T on transcript NM_014249.4 (MANE Select); coding-DNA position 264, G replaced by T.
Protein change: p.Gly88=; no amino-acid change (glycine 88 retained).
Molecular consequence: synonymous variant.
Genome position (GRCh38, 1-based): chr15:71,811,784, G>T. VCF-style: chr15-71811784-G-T. GRCh37 (hg19) VCF-style: chr15-72104124-G-T.
Other names: c.264G>T, p.Gly88= (NM_016346.4).
Identifiers: ClinVar variation 317007 (VCV000317007.21), dbSNP rs558123422, ClinGen allele CA7640273.